The following is an entry in ClinVar:

ClinVar aggregate classification (germline): Pathogenic (1 of 4 stars; one submission).

Submission:

Labcorp Genetics (formerly Invitae), Labcorp
Classification: Pathogenic. Last evaluated: 2024-05-06. Review status: criteria provided, single submitter. Criteria: Invitae Variant Classification Sherloc (09022015). Collection method: clinical testing. Allele origin: germline.
Comment: This sequence change creates a premature translational stop signal (p.His92Glnfs*47) in the IFT43 gene. It is expected to result in an absent or disrupted protein product. Loss-of-function variants in IFT43 are known to be pathogenic (PMID: 21378380, 28400947). This variant is not present in population databases (gnomAD no frequency). This variant has not been reported in the literature in individuals affected with IFT43-related conditions. For these reasons, this variant has been classified as Pathogenic.

Literature cited by the submitters: PubMed 21378380; PubMed 28400947.

NM_001102564.3(IFT43):c.296-5638_296-5637del

Gene: IFT43 (intraflagellar transport 43; plus strand). Cytogenetic location: 14q24.3.
Variant type: Microsatellite.
Coding change: c.296-5638_296-5637del on transcript NM_001102564.3 (MANE Select); 5638 bases into the intron before coding-DNA position 296 through 5637 bases into the intron before coding-DNA position 296, 2 bases deleted (CA; older notation c.296-5638_296-5637delCA).
Molecular consequence: intron variant. On other transcripts: frameshift variant (1).
Genome position (GRCh38, 1-based): chr14:76,076,657-76,076,658, CA deleted; deleting any 2 consecutive bases within chr14:76,076,655-76,076,658 gives the same sequence; the c. name uses the placement nearest the transcript's 3' end. VCF-style (leftmost placement, unchanged base first): chr14-76076654-TCA-T. GRCh37 (hg19) VCF-style: chr14-76542997-TCA-T.
Other names: c.276_277del, p.His92fs (NM_052873.3); short protein forms H92fs.
Identifiers: ClinVar variation 3611348 (VCV003611348.2).
Genomic context (GRCh38, chr14:76,076,654, plus strand): 5'-TAGCGGTACCCAAACAGGCAAACAACAGCTGGATCTGAACGCATGCTATCACAAAACGCA[TCA>T]CAGAGATTTGGGGCTGGCTTCATTGGAAGAGGCAGGTAGGCTTTTGACTGTCAGTCTACG-3'